The following is an entry in ClinVar:

NM_000091.5(COL4A3):c.1256C>A (p.Ser419Tyr)

Genes: COL4A3 (collagen type IV alpha 3 chain; plus strand), MFF-DT (MFF divergent transcript; minus strand). Cytogenetic location: 2q36.3.
Variant type: single nucleotide variant.
Coding change: c.1256C>A on transcript NM_000091.5 (MANE Select); coding-DNA position 1256, C replaced by A.
Protein change: p.Ser419Tyr; replaces serine 419 with tyrosine.
Molecular consequence: missense variant.
Genome position (GRCh38, 1-based): chr2:227,263,885, C>A. VCF-style: chr2-227263885-C-A. GRCh37 (hg19) VCF-style: chr2-228128601-C-A.
Other names: short protein forms S419Y.
Identifiers: ClinVar variation 334759 (VCV000334759.22), dbSNP rs201031986, ClinGen allele CA2146592.

ClinVar aggregate classification (germline): Conflicting classifications of pathogenicity. Review status: criteria provided, conflicting classifications (1 of 4 stars). 8 submissions from 7 submitters: Uncertain significance (5); Likely benign (1). 2 of the submissions do not count toward it. Last evaluated 2026-01-11.

Conditions:
Autosomal dominant Alport syndrome (ATS3A). Also called: ALPORT SYNDROME 3A, AUTOSOMAL DOMINANT; Alport syndrome dominant type; Renal failure and sensorineural hearing loss. Identifiers: Orphanet 63, Orphanet 88918, MedGen C5882663, MONDO:0007086, OMIM 104200.
Alport syndrome 3b, autosomal recessive. Identifiers: MedGen C5882699, MONDO:0957811, OMIM 620536.
Hematuria, benign familial, 2 (BFH2). Identifiers: MedGen C5830421, MONDO:0958186, OMIM 620320.
Autosomal recessive Alport syndrome (ATS2). Also called: COL4A4 Alport Syndrome and Thin Basement Membrane Nephropathy; ALPORT SYNDROME 2, AUTOSOMAL RECESSIVE; Alport syndrome type 2; COL4A3-Related Nephropathy. Identifiers: Orphanet 63, Orphanet 88919, MedGen C4746745, MONDO:0008762, OMIM 203780.
Alport syndrome. Also called: Hemorrhagic familial nephritis; Hemorrhagic hereditary nephritis; Congenital hereditary hematuria. Identifiers: Orphanet 63, MedGen C1567741, MONDO:0018965.

Allele frequency attached by ClinVar (database versions not stated): gnomAD 0.00005 and 0.00006; TOPMed 0.00006; ESP Exome Variant Server 0.00008.
gnomAD v4.1: 51 of 1,613,998 alleles (0.0032%); highest among the groups gnomAD compares: Admixed American, 0.005%; no homozygotes.

Submissions (8):

Labcorp Genetics (formerly Invitae), Labcorp
Classification: Likely benign. Last evaluated: 2026-01-11. Review status: criteria provided, single submitter. Criteria: Invitae Variant Classification Sherloc (09022015). Collection method: clinical testing. Allele origin: germline.

GeneDx
Classification: Uncertain significance. Last evaluated: 2024-08-08. Review status: criteria provided, single submitter. Criteria: GeneDx Variant Classification Process June 2021. Collection method: clinical testing. Allele origin: germline. Affected: yes.
Comment: In silico analysis indicates that this missense variant does not alter protein structure/function; Occurs in the triple helical domain at the X position in the canonical Gly-X-Y repeat; although this variant may have an effect on normal protein folding and function, missense substitution at the X position is not a common mechanism of disease; Has not been previously published as pathogenic or benign to our knowledge

Fulgent Genetics
Classification: Uncertain significance for Autosomal dominant Alport syndrome; Hematuria, benign familial, 2; Alport syndrome 3b, autosomal recessive. Last evaluated: 2024-02-02. Review status: criteria provided, single submitter. Criteria: ACMG Guidelines, 2015. Collection method: clinical testing. Allele origin: germline.

Genome-Nilou Lab
Classification: Uncertain significance for Autosomal recessive Alport syndrome. Last evaluated: 2021-07-14. Review status: criteria provided, single submitter. Criteria: ACMG Guidelines, 2015. Collection method: clinical testing. Allele origin: germline. Affected: no.

Genome-Nilou Lab
Classification: Uncertain significance for Autosomal dominant Alport syndrome. Last evaluated: 2021-07-14. Review status: criteria provided, single submitter. Criteria: ACMG Guidelines, 2015. Collection method: clinical testing. Allele origin: germline. Affected: no.

Illumina Laboratory Services, Illumina
Classification: Uncertain significance for Alport syndrome. Last evaluated: 2018-01-13. Review status: criteria provided, single submitter. Criteria: ICSL Variant Classification Criteria 13 December 2019. Collection method: clinical testing. Allele origin: germline.

Natera, Inc.
Classification: Uncertain significance for Alport syndrome. Last evaluated: 2020-12-22. Review status: no assertion criteria provided. Collection method: clinical testing. Allele origin: germline. Not counted in ClinVar's aggregate classification.

Bioscientia Institut fuer Medizinische Diagnostik GmbH, Sonic Healthcare
Classification: Uncertain significance for Autosomal dominant Alport syndrome. Last evaluated: 2019-11-26. Review status: no assertion criteria provided. Collection method: clinical testing. Allele origin: germline. Affected: yes. Not counted in ClinVar's aggregate classification.